The following is an entry in ClinVar:

ClinVar aggregate classification (germline): Conflicting classifications of pathogenicity. Review status: criteria provided, conflicting classifications (1 of 4 stars). 2 submissions from 2 submitters: Likely pathogenic (1); Uncertain significance (1). Last evaluated 2024-10-10.

Conditions:
Noonan syndrome 8 (NS8). Identifiers: Orphanet 648, MedGen C3809233, MONDO:0014143, OMIM 615355.

Submissions (2):

Labcorp Genetics (formerly Invitae), Labcorp
Classification: Likely pathogenic for Noonan syndrome 8. Last evaluated: 2024-10-10. Review status: criteria provided, single submitter. Criteria: Invitae Variant Classification Sherloc (09022015). Collection method: clinical testing. Allele origin: germline.
Comment: This sequence change replaces threonine, which is neutral and polar, with serine, which is neutral and polar, at codon 38 of the RIT1 protein (p.Thr38Ser). This variant is not present in population databases (gnomAD no frequency). This missense change has been observed in individual(s) with clinical features of Noonan syndrome (internal data). In at least one individual the variant was observed to be de novo. ClinVar contains an entry for this variant (Variation ID: 1053927). Invitae Evidence Modeling incorporating data from in vitro experimental studies (internal data) did not meet the statistical confidence thresholds required to predict the impact of this variant on RIT1 function. In summary, the currently available evidence indicates that the variant is pathogenic, but additional data are needed to prove that conclusively. Therefore, this variant has been classified as Likely Pathogenic.

Women's Health and Genetics/Laboratory Corporation of America, LabCorp
Classification: Uncertain significance. Last evaluated: 2021-09-08. Review status: criteria provided, single submitter. Criteria: LabCorp Variant Classification Summary - May 2015. Collection method: clinical testing. Allele origin: germline.
Comment: Variant summary: RIT1 c.113C>G (p.Thr38Ser) results in a conservative amino acid change located in the Small GTP-binding protein domain (IPR005225) of the encoded protein sequence. Three of five in-silico tools predict a damaging effect of the variant on protein function. The variant was absent in 251442 control chromosomes (gnomAD). The available data on variant occurrences in the general population are insufficient to allow any conclusion about variant significance. To our knowledge, no occurrence of c.113C>G in individuals affected with Noonan Syndrome and no experimental evidence demonstrating its impact on protein function have been reported. A ClinVar submitter (evaluation after 2014) cites the variant as uncertain significance. Based on the evidence outlined above, the variant was classified as uncertain significance.

NM_006912.6(RIT1):c.113C>G (p.Thr38Ser)

Gene: RIT1 (Ras like without CAAX 1; minus strand). Cytogenetic location: 1q22.
Variant type: single nucleotide variant.
Coding change: c.113C>G on transcript NM_006912.6 (MANE Select); coding-DNA position 113, C replaced by G.
Protein change: p.Thr38Ser; replaces threonine 38 with serine.
Molecular consequence: missense variant.
Genome position (GRCh38, 1-based): chr1:155,910,500, G>C on the plus strand (C>G on the coding strand, the complement: RIT1 is on the minus strand). VCF-style: chr1-155910500-G-C. GRCh37 (hg19) VCF-style: chr1-155880291-G-C.
Other names: c.5C>G, p.Thr2Ser (NM_001256820.2); c.164C>G, p.Thr55Ser (NM_001256821.2); short protein forms T2S, T38S, T55S.
Identifiers: ClinVar variation 1053927 (VCV001053927.8), dbSNP rs2102590960, ClinGen allele CA342776094.